The following is an entry in ClinVar:

ClinVar aggregate classification (germline): Uncertain significance. Review status: criteria provided, multiple submitters, no conflicts (2 of 4 stars). 3 submissions from 3 submitters: Uncertain significance (3). Last evaluated 2025-09-22.

Conditions:
Thrombomodulin-related bleeding disorder (THPH12). Also called: Thrombophilia due to thrombomodulin defect. Identifiers: Orphanet 436169, MedGen C3280976, MONDO:0013775, OMIM 614486.
Inborn genetic diseases. Identifiers: MedGen C0950123, MeSH D030342.

Allele frequency attached by ClinVar (database versions not stated): gnomAD 0.00001; TOPMed 0.00002; gnomAD exomes 0.00003; ExAC 0.00011.

Submissions (3):

Genomenon, Inc
Classification: Uncertain significance for Thrombomodulin-related bleeding disorder. Last evaluated: 2025-09-22. Review status: criteria provided, single submitter. Criteria: Genomenon Sequence Variant Interpretation Standards - Updated. Collection method: curation. Allele origin: germline. Affected: no.
Comment: THBD p.Thr195Ile (c.584C>T) is a missense variant that changes the amino acid at residue 195 from Threonine to Isoleucine. This variant has been reported in the published literature (PMID:34970867). It is absent or not present at a significant frequency in gnomAD. In silico models agree that this variant is possibly or probably damaging. In conclusion, we classify THBD p.Thr195Ile (c.584C>T) as a variant of unknown significance.

Labcorp Genetics (formerly Invitae), Labcorp
Classification: Uncertain significance. Last evaluated: 2025-05-12. Review status: criteria provided, single submitter. Criteria: Invitae Variant Classification Sherloc (09022015). Collection method: clinical testing. Allele origin: germline.
Comment: This sequence change replaces threonine, which is neutral and polar, with isoleucine, which is neutral and non-polar, at codon 195 of the THBD protein (p.Thr195Ile). This variant is present in population databases (rs755591112, gnomAD 0.01%). This missense change has been observed in individual(s) with venous thromboembolism (PMID: 34970867). ClinVar contains an entry for this variant (Variation ID: 1502810). Invitae Evidence Modeling of protein sequence and biophysical properties (such as structural, functional, and spatial information, amino acid conservation, physicochemical variation, residue mobility, and thermodynamic stability) indicates that this missense variant is expected to disrupt THBD protein function with a positive predictive value of 80%. In summary, the available evidence is currently insufficient to determine the role of this variant in disease. Therefore, it has been classified as a Variant of Uncertain Significance.

Ambry Genetics
Classification: Uncertain significance for Inborn genetic diseases. Last evaluated: 2021-12-21. Review status: criteria provided, single submitter. Criteria: Ambry Variant Classification Scheme 2023. Collection method: clinical testing. Allele origin: germline.

Literature cited by the submitters: PubMed 34970867 (cited by Genomenon, Inc and Labcorp Genetics (formerly Invitae), Labcorp).

NM_000361.3(THBD):c.584C>T (p.Thr195Ile)

Gene: THBD (thrombomodulin; minus strand). Cytogenetic location: 20p11.21.
Variant type: single nucleotide variant.
Coding change: c.584C>T on transcript NM_000361.3 (MANE Select); coding-DNA position 584, C replaced by T.
Protein change: p.Thr195Ile; replaces threonine 195 with isoleucine.
Molecular consequence: missense variant.
Genome position (GRCh38, 1-based): chr20:23,048,921, G>A on the plus strand (C>T on the coding strand, the complement: THBD is on the minus strand). VCF-style: chr20-23048921-G-A. GRCh37 (hg19) VCF-style: chr20-23029558-G-A.
Other names: c.584C>T (NM_000361.2); short protein forms T195I.
Identifiers: ClinVar variation 1502810 (VCV001502810.8), dbSNP rs755591112, ClinGen allele CA9787714.